The following is an entry in ClinVar:

NM_000944.5(PPP3CA):c.650G>A (p.Arg217Gln)

Gene: PPP3CA (protein phosphatase 3 catalytic subunit alpha; minus strand). Cytogenetic location: 4q24.
Variant type: single nucleotide variant.
Coding change: c.650G>A on transcript NM_000944.5 (MANE Select); coding-DNA position 650, G replaced by A.
Protein change: p.Arg217Gln; replaces arginine 217 with glutamine.
Molecular consequence: missense variant.
Genome position (GRCh38, 1-based): chr4:101,093,908, C>T on the plus strand (G>A on the coding strand, the complement: PPP3CA is on the minus strand). VCF-style: chr4-101093908-C-T. GRCh37 (hg19) VCF-style: chr4-102015065-C-T.
Other names: c.650G>A, p.Arg217Gln (NM_001130691.2, NM_001130692.2); short protein forms R217Q.
Identifiers: ClinVar variation 3765812 (VCV003765812.1).
Genomic context (GRCh38, chr4:101,093,908, plus strand): 5'-TCCAGGGGGTCTGACCACAGGATATCACACATAGGTCCATATGCAGGTGGTTCTTTGAAT[C>T]GGTCTAACTAAGAAAAATAGAAGACAGAGAGCAAAATACTAATCTTTGGAAACTTAGAAT-3'
Protein context (NP_000935.1, residues 207-227): NTLDDIRKLD[Arg217Gln]FKEPPAYGPM

ClinVar aggregate classification (germline): Uncertain significance (1 of 4 stars; one submission).

Submission:

Greenwood Genetic Center Diagnostic Laboratories, Greenwood Genetic Center
Classification: Uncertain significance. Last evaluated: 2024-07-15. Review status: criteria provided, single submitter. Criteria: ACMG Guidelines, 2015. Collection method: clinical testing. Allele origin: germline. Affected: yes.
Comment: PM2, PP2, PP3